The following is an entry in ClinVar:

NM_001242896.3(DEPDC5):c.767+10G>C

Gene: DEPDC5 (DEP domain containing 5, GATOR1 subcomplex subunit; plus strand). Cytogenetic location: 22q12.2.
Variant type: single nucleotide variant.
Coding change: c.767+10G>C on transcript NM_001242896.3 (MANE Select); 10 bases into the intron after coding-DNA position 767, G replaced by C.
Molecular consequence: intron variant.
Genome position (GRCh38, 1-based): chr22:31,792,827, G>C. VCF-style: chr22-31792827-G-C. GRCh37 (hg19) VCF-style: chr22-32188813-G-C.
Other names: c.767+10G>C (NM_001364318.2, NM_001136029.4, NM_014662.6 and 8 more transcripts); c.683+10G>C (NM_001369902.1, NM_001369901.1).
Identifiers: ClinVar variation 1914833 (VCV001914833.7), dbSNP rs1250188947, ClinGen allele CA639059091.
Genomic context (GRCh38, chr22:31,792,827, plus strand): 5'-AGCCTCAATTCGACAGGATCACAAGGGGAGATTCTATGAAGACTTTTACAAGTATGTTTG[G>C]GTGCTTTGCTATACTTTTTATTTATTTATTAGTTGTTTCTTTCCTAACTTAAAAATAAGT-3'

ClinVar aggregate classification (germline): Likely benign. Review status: criteria provided, single submitter (1 of 4 stars). 2 submissions from 2 submitters: Likely benign (1). 1 of the submissions does not count toward it. Last evaluated 2022-05-27.

Conditions:
DEPDC5-related disorder. Also called: DEPDC5-related condition; DEPDC5-related related disorder.
Familial focal epilepsy with variable foci (FPEVF). Identifiers: Orphanet 98820, MedGen C1858477, MONDO:0020310.

Submissions (2):

Labcorp Genetics (formerly Invitae), Labcorp
Classification: Likely benign for Familial focal epilepsy with variable foci. Last evaluated: 2022-05-27. Review status: criteria provided, single submitter. Criteria: Invitae Variant Classification Sherloc (09022015). Collection method: clinical testing. Allele origin: germline.

PreventionGenetics, part of Exact Sciences
Classification: Likely benign for DEPDC5-related condition. Last evaluated: 2021-06-01. Review status: no assertion criteria provided. Collection method: clinical testing. Allele origin: germline. Not counted in ClinVar's aggregate classification.
Comment: This variant is classified as likely benign based on ACMG/AMP sequence variant interpretation guidelines (Richards et al. 2015 PMID: 25741868, with internal and published modifications).